The following is an entry in ClinVar:

NM_020928.2(ZSWIM6):c.635C>T (p.Ala212Val)

Gene: ZSWIM6 (zinc finger SWIM-type containing 6; plus strand). Cytogenetic location: 5q12.1.
Variant type: single nucleotide variant.
Coding change: c.635C>T on transcript NM_020928.2 (MANE Select); coding-DNA position 635, C replaced by T.
Protein change: p.Ala212Val; replaces alanine 212 with valine.
Molecular consequence: missense variant.
Genome position (GRCh38, 1-based): chr5:61,332,907, C>T. VCF-style: chr5-61332907-C-T. GRCh37 (hg19) VCF-style: chr5-60628734-C-T.
Other names: short protein forms A212V.
Identifiers: ClinVar variation 2655481 (VCV002655481.24), dbSNP rs2478708928, ClinGen allele CA359941112.

ClinVar aggregate classification (germline): Uncertain significance (1 of 4 stars; one submission).

gnomAD v4.1: 6 of 1,352,578 alleles (0.00044%); highest among the groups gnomAD compares: Non-Finnish European, 0.00048%; no homozygotes.

Submission:

CeGaT Center for Human Genetics Tuebingen
Classification: Uncertain significance. Last evaluated: 2022-03-01. Review status: criteria provided, single submitter. Criteria: CeGaT Center For Human Genetics Tuebingen Variant Classification Criteria Version 2. Collection method: clinical testing. Allele origin: germline. Affected: yes. Observed: 1 variant allele.
Comment: ZSWIM6: PM2, PP2